The following is an entry in ClinVar:

ClinVar aggregate classification (germline): Likely benign. Review status: reviewed by expert panel (3 of 4 stars). 3 submissions from 3 submitters: Likely benign (1). 2 of the submissions do not count toward it. Last evaluated 2026-04-23.

Conditions:
CDKL5 disorder. Identifiers: MedGen CN296942, MONDO:0100039.
Developmental and epileptic encephalopathy, 2 (DEE2). Also called: INFANTILE SPASM SYNDROME, X-LINKED 2; CDKL5 deficiency disorder. Identifiers: Orphanet 1934, Orphanet 3451, Orphanet 505652, MedGen C4750718, MONDO:0010396, OMIM 300672.
Angelman syndrome-like. Identifiers: MedGen CN128785.

Allele frequency attached by ClinVar (database versions not stated): TOPMed 0.00001; gnomAD 0.00005; gnomAD exomes below 0.00001 and 0.00001; ExAC 0.00001.
gnomAD v4.1: 2 of 1,199,170 alleles (0.00017%); highest among the groups gnomAD compares: Non-Finnish European, 0.00023%; no homozygotes.

Submissions (3):

ClinGen Rett and Angelman-like Disorders Variant Curation Expert Panel
Classification: Likely benign for CDKL5 disorder. Last evaluated: 2026-04-23. Review status: reviewed by expert panel. Criteria: ClinGen RettAS ACMG Specifications CDKL5 V5.0.0. Collection method: curation. Allele origin: germline. Inheritance: X-linked inheritance.
Comment: The p.Ala755= variant is observed in at least 2 unaffected individuals (internal database - GeneDx) (BS2). The silent p.Ala755= variant is not predicted to affect splicing using Splice AI and does not affect a highly conserved nucleotide (BP7, BP4). In summary, the p.Ala755= variant in CDKL5 is classified as likely benign based on the ACMG/AMP criteria (BS2, BP4, BP7). (CDKL5 Specifications v5.0; curation approved on 4/23/2026)

Labcorp Genetics (formerly Invitae), Labcorp
Classification: Benign for Developmental and epileptic encephalopathy, 2; Angelman syndrome-like. Last evaluated: 2021-10-10. Review status: criteria provided, single submitter. Criteria: Invitae Variant Classification Sherloc (09022015). Collection method: clinical testing. Allele origin: germline. Not counted in ClinVar's aggregate classification.

Eurofins Ntd Llc (ga)
Classification: Uncertain significance. Last evaluated: 2018-05-31. Review status: criteria provided, single submitter. Criteria: EGL ClinVar v180209 classification definitions. Collection method: clinical testing. Allele origin: germline. Observed: 2 variant alleles, 1 heterozygote, 1 hemizygote. Not counted in ClinVar's aggregate classification.

NM_001323289.2(CDKL5):c.2265A>T (p.Ala755=)

Gene: CDKL5 (cyclin dependent kinase like 5; plus strand). Cytogenetic location: Xp22.13.
Variant type: single nucleotide variant.
Coding change: c.2265A>T on transcript NM_001323289.2 (MANE Select); coding-DNA position 2265, A replaced by T.
Protein change: p.Ala755=; no amino-acid change (alanine 755 retained).
Molecular consequence: synonymous variant.
Genome position (GRCh38, 1-based): chrX:18,613,264, A>T. VCF-style: chrX-18613264-A-T. GRCh37 (hg19) VCF-style: chrX-18631384-A-T.
Other names: NM_001323289.2(CDKL5):c.2265A>T; p.Ala755=; c.2265A>T, p.Ala755= (NM_001037343.2, NM_003159.3).
Identifiers: ClinVar variation 166820 (VCV000166820.13), dbSNP rs727503846, ClinGen allele CA233655.